The following is an entry in ClinVar:

NM_002691.4(POLD1):c.2312C>T (p.Ala771Val)

Gene: POLD1 (DNA polymerase delta 1, catalytic subunit; plus strand). Cytogenetic location: 19q13.33.
Variant type: single nucleotide variant.
Coding change: c.2312C>T on transcript NM_002691.4 (MANE Select); coding-DNA position 2312, C replaced by T.
Protein change: p.Ala771Val; replaces alanine 771 with valine.
Molecular consequence: missense variant. On other transcripts: non-coding transcript variant (1).
Genome position (GRCh38, 1-based): chr19:50,413,803, C>T. VCF-style: chr19-50413803-C-T. GRCh37 (hg19) VCF-style: chr19-50917060-C-T.
Other names: c.2312C>T, p.Ala771Val (NM_001256849.1); c.2390C>T, p.Ala797Val (NM_001308632.1); c.2312C>T (NM_002691.2); short protein forms A797V, A771V.
Identifiers: ClinVar variation 644917 (VCV000644917.12), dbSNP rs139235742, ClinGen allele CA9596480.

ClinVar aggregate classification (germline): Uncertain significance. Review status: criteria provided, multiple submitters, no conflicts (2 of 4 stars). 3 submissions from 3 submitters: Uncertain significance (3). Last evaluated 2025-10-01.

Conditions:
Hereditary cancer-predisposing syndrome. Also called: Hereditary neoplastic syndrome; Tumor predisposition; Hereditary Cancer Syndrome; Neoplastic Syndromes, Hereditary. Identifiers: Orphanet 140162, MedGen C0027672, MeSH D009386, MONDO:0015356.
POLD1-related polyposis and colorectal cancer syndrome (CRCS10). Also called: Colorectal cancer, susceptibility to, 10; Colorectal cancer 10; COLORECTAL CANCER, SUSCEPTIBILITY TO, ON CHROMOSOME 19q. Identifiers: Orphanet 220460, MedGen C2675481, MONDO:0012953, OMIM 612591.

Allele frequency attached by ClinVar (database versions not stated): ExAC 0.00001; gnomAD 0.00001; gnomAD exomes 0.00001; TOPMed 0.00001; ESP Exome Variant Server 0.00008.
gnomAD v4.1: 12 of 1,612,394 alleles (0.00074%); highest among the groups gnomAD compares: Admixed American, 0.0017%; no homozygotes.

Submissions (3):

Labcorp Genetics (formerly Invitae), Labcorp
Classification: Uncertain significance for POLD1-related polyposis and colorectal cancer syndrome. Last evaluated: 2025-10-01. Review status: criteria provided, single submitter. Criteria: Invitae Variant Classification Sherloc (09022015). Collection method: clinical testing. Allele origin: germline.
Comment: This sequence change replaces alanine, which is neutral and non-polar, with valine, which is neutral and non-polar, at codon 771 of the POLD1 protein (p.Ala771Val). The frequency data for this variant in the population databases is considered unreliable, as metrics indicate poor data quality at this position in the gnomAD database. This variant has not been reported in the literature in individuals affected with POLD1-related conditions. ClinVar contains an entry for this variant (Variation ID: 644917). Invitae Evidence Modeling of protein sequence and biophysical properties (such as structural, functional, and spatial information, amino acid conservation, physicochemical variation, residue mobility, and thermodynamic stability) indicates that this missense variant is not expected to disrupt POLD1 protein function with a negative predictive value of 80%. In summary, the available evidence is currently insufficient to determine the role of this variant in disease. Therefore, it has been classified as a Variant of Uncertain Significance.

Ambry Genetics
Classification: Uncertain significance for Hereditary cancer-predisposing syndrome. Last evaluated: 2024-12-23. Review status: criteria provided, single submitter. Criteria: Ambry Variant Classification Scheme 2023. Collection method: clinical testing. Allele origin: germline.
Comment: The p.A771V variant (also known as c.2312C>T), located in coding exon 18 of the POLD1 gene, results from a C to T substitution at nucleotide position 2312. The alanine at codon 771 is replaced by valine, an amino acid with similar properties. This amino acid position is highly conserved in available vertebrate species. In addition, this alteration is predicted to be tolerated by in silico analysis. Based on the available evidence, the clinical significance of this variant remains unclear.

GeneDx
Classification: Uncertain significance. Last evaluated: 2024-11-25. Review status: criteria provided, single submitter. Criteria: GeneDx Variant Classification Process June 2021. Collection method: clinical testing. Allele origin: germline.
Comment: Not observed at significant frequency in large population cohorts (gnomAD); In silico analysis supports that this missense variant has a deleterious effect on protein structure/function; Has not been previously published as pathogenic or benign to our knowledge; This variant is associated with the following publications: (PMID: 27149842, 29056344)